The following is an entry in ClinVar:

NM_004977.3(KCNC3):c.1057G>A (p.Gly353Arg)

Gene: KCNC3 (potassium voltage-gated channel subfamily C member 3; minus strand). Cytogenetic location: 19q13.33.
Variant type: single nucleotide variant.
Coding change: c.1057G>A on transcript NM_004977.3 (MANE Select); coding-DNA position 1057, G replaced by A.
Protein change: p.Gly353Arg; replaces glycine 353 with arginine.
Molecular consequence: missense variant.
Genome position (GRCh38, 1-based): chr19:50,323,896, C>T on the plus strand (G>A on the coding strand, the complement: KCNC3 is on the minus strand). VCF-style: chr19-50323896-C-T. GRCh37 (hg19) VCF-style: chr19-50827153-C-T.
Other names: c.829G>A, p.Gly277Arg (NM_001372305.1); short protein forms G277R, G353R.
Identifiers: ClinVar variation 3370085 (VCV003370085.2).

ClinVar aggregate classification (germline): Uncertain significance (1 of 4 stars; one submission).

Submission:

GeneDx
Classification: Uncertain significance. Last evaluated: 2024-12-19. Review status: criteria provided, single submitter. Criteria: GeneDx Variant Classification Process June 2021. Collection method: clinical testing. Allele origin: germline.
Comment: Not observed at significant frequency in large population cohorts (gnomAD); In silico analysis supports that this missense variant has a deleterious effect on protein structure/function; Has not been previously published as pathogenic or benign to our knowledge